The following is an entry in ClinVar:

ClinVar aggregate classification (germline): Likely pathogenic (1 of 4 stars; one submission).

Conditions:
Hereditary spastic paraplegia 72 (SPG72A). Also called: Spastic paraplegia 72, autosomal recessive. Identifiers: Orphanet 401849, MedGen C5882669, MONDO:0014282, OMIM 615625.

Allele frequency attached by ClinVar (database versions not stated): gnomAD exomes below 0.00001; ExAC 0.00001; gnomAD 0.00001.
gnomAD v4.1: 3 of 1,613,452 alleles (0.00019%); highest among the groups gnomAD compares: African/African-American, 0.0013%; no homozygotes.

Submission:

Baylor Genetics
Classification: Likely pathogenic for Hereditary spastic paraplegia 72. Last evaluated: 2020-10-30. Review status: criteria provided, single submitter. Criteria: ACMG Guidelines, 2015. Collection method: clinical testing. Allele origin: unknown. Affected: yes.
Comment: This variant was determined to be likely pathogenic according to ACMG Guidelines, 2015 [PMID:25741868].

NM_001271803.2(REEP2):c.523C>T (p.Arg175Ter)

Gene: REEP2 (receptor accessory protein 2; plus strand). Cytogenetic location: 5q31.2.
Variant type: single nucleotide variant.
Coding change: c.523C>T on transcript NM_001271803.2 (MANE Select); coding-DNA position 523, C replaced by T.
Protein change: p.Arg175Ter; replaces arginine 175 with a stop codon.
Molecular consequence: nonsense. On other transcripts: non-coding transcript variant (2).
Genome position (GRCh38, 1-based): chr5:138,445,333, C>T. VCF-style: chr5-138445333-C-T. GRCh37 (hg19) VCF-style: chr5-137781022-C-T.
Other names: c.517C>T, p.Arg173Ter (NM_016606.4); short protein forms R173*, R175*.
Identifiers: ClinVar variation 1029276 (VCV001029276.1), dbSNP rs752698231, ClinGen allele CA3429844.